The following is an entry in ClinVar:

ClinVar aggregate classification (germline): Uncertain significance (1 of 4 stars; one submission).

Conditions:
Dyskeratosis congenita. Identifiers: Orphanet 1775, MedGen C0265965, MONDO:0015780.

Allele frequency attached by ClinVar (database versions not stated): gnomAD 0.00001; TOPMed 0.00002.
gnomAD v4.1: 18 of 1,600,286 alleles (0.0011%); highest among the groups gnomAD compares: East Asian, 0.038%; no homozygotes.

Submission:

Labcorp Genetics (formerly Invitae), Labcorp
Classification: Uncertain significance for Dyskeratosis congenita. Last evaluated: 2023-12-14. Review status: criteria provided, single submitter. Criteria: Invitae Variant Classification Sherloc (09022015). Collection method: clinical testing. Allele origin: germline.
Comment: This sequence change replaces threonine, which is neutral and polar, with lysine, which is basic and polar, at codon 826 of the CTC1 protein (p.Thr826Lys). The frequency data for this variant in the population databases is considered unreliable, as metrics indicate poor data quality at this position in the gnomAD database. This variant has not been reported in the literature in individuals affected with CTC1-related conditions. ClinVar contains an entry for this variant (Variation ID: 1053382). An algorithm developed to predict the effect of missense changes on protein structure and function (PolyPhen-2) suggests that this variant¬†is likely to be tolerated. In summary, the available evidence is currently insufficient to determine the role of this variant in disease. Therefore, it has been classified as a Variant of Uncertain Significance.

NM_025099.6(CTC1):c.2477C>A (p.Thr826Lys)

Gene: CTC1 (CST telomere replication complex component 1; minus strand). Cytogenetic location: 17p13.1.
Variant type: single nucleotide variant.
Coding change: c.2477C>A on transcript NM_025099.6 (MANE Select); coding-DNA position 2477, C replaced by A.
Protein change: p.Thr826Lys; replaces threonine 826 with lysine.
Molecular consequence: missense variant. On other transcripts: non-coding transcript variant (1).
Genome position (GRCh38, 1-based): chr17:8,231,468, G>T on the plus strand (C>A on the coding strand, the complement: CTC1 is on the minus strand). VCF-style: chr17-8231468-G-T. GRCh37 (hg19) VCF-style: chr17-8134786-G-T.
Other names: short protein forms T826K.
Identifiers: ClinVar variation 1053382 (VCV001053382.7), dbSNP rs757061571, ClinGen allele CA8372050.